The following is an entry in ClinVar:

NM_000075.4(CDK4):c.138AGG[1] (p.Gly48del)

Genes: CDK4 (cyclin dependent kinase 4; minus strand), LOC130008148 (ATAC-STARR-seq lymphoblastoid silent region 4588; plus strand). Cytogenetic location: 12q14.1.
Variant type: Microsatellite.
Coding change: c.138AGG[1] on transcript NM_000075.4 (MANE Select); one copy of the 3-base unit AGG starting at c.138; the reference has two copies in a row; one copy, 3 bases deleted.
Protein change: p.Gly48del; deletes glycine 48.
Molecular consequence: inframe deletion.
Genome position (GRCh38, 1-based): chr12:57,751,575-57,751,577, CCT deleted on the plus strand (AGG on the coding strand, the reverse complement: CDK4 is on the minus strand); deleting any 3 consecutive bases within chr12:57,751,575-57,751,582 gives the same sequence; the position shown is the placement nearest the transcript's 3' end. VCF-style (leftmost placement, unchanged base first): chr12-57751574-GCCT-G. GRCh37 (hg19) VCF-style: chr12-58145357-GCCT-G.
Other names: short protein forms G48del.
Identifiers: ClinVar variation 483300 (VCV000483300.8), dbSNP rs1555201374, ClinGen allele CA658656312.

ClinVar aggregate classification (germline): Uncertain significance. Review status: criteria provided, multiple submitters, no conflicts (2 of 4 stars). 2 submissions from 2 submitters: Uncertain significance (2). Last evaluated 2024-09-11.

Conditions:
Familial melanoma. Also called: Hereditary melanoma; Hereditary cutaneous melanoma. Identifiers: Orphanet 618, MedGen C1512419, MONDO:0018961.
Hereditary cancer-predisposing syndrome. Also called: Neoplastic Syndromes, Hereditary; Tumor predisposition; Hereditary Cancer Syndrome; Hereditary neoplastic syndrome. Identifiers: Orphanet 140162, MedGen C0027672, MeSH D009386, MONDO:0015356.

Submissions (2):

Ambry Genetics
Classification: Uncertain significance for Hereditary cancer-predisposing syndrome. Last evaluated: 2024-09-11. Review status: criteria provided, single submitter. Criteria: Ambry Variant Classification Scheme 2023. Collection method: clinical testing. Allele origin: germline.
Comment: The c.141_143delAGG variant (also known as p.G48del) is located in coding exon 1 of the CDK4 gene. This variant results from an in-frame AGG deletion at nucleotide positions 141 to 143. This results in the in-frame deletion of a glycine at codon 48. This amino acid position is highly conserved in available vertebrate species. In addition, this alteration is predicted to be neutral by in silico analysis (Choi Y et al. PLoS ONE. 2012; 7(10):e46688). Based on the available evidence, the clinical significance of this variant remains unclear.

Labcorp Genetics (formerly Invitae), Labcorp
Classification: Uncertain significance for Familial melanoma. Last evaluated: 2024-08-13. Review status: criteria provided, single submitter. Criteria: Invitae Variant Classification Sherloc (09022015). Collection method: clinical testing. Allele origin: germline.
Comment: This variant, c.141_143del, results in the deletion of 1 amino acid(s) of the CDK4 protein (p.Gly48del), but otherwise preserves the integrity of the reading frame. This variant is not present in population databases (gnomAD no frequency). This variant has not been reported in the literature in individuals affected with CDK4-related conditions. ClinVar contains an entry for this variant (Variation ID: 483300). Experimental studies and prediction algorithms are not available or were not evaluated, and the functional significance of this variant is currently unknown. In summary, the available evidence is currently insufficient to determine the role of this variant in disease. Therefore, it has been classified as a Variant of Uncertain Significance.